The following is an entry in ClinVar:

NM_002857.4(PEX19):c.*9A>G

Gene: PEX19 (peroxisomal biogenesis factor 19; minus strand). Cytogenetic location: 1q23.2.
Variant type: single nucleotide variant.
Coding change: c.*9A>G on transcript NM_002857.4 (MANE Select); 9 bases downstream of the stop codon, A replaced by G.
Molecular consequence: 3 prime UTR variant. On other transcripts: non-coding transcript variant (2).
Genome position (GRCh38, 1-based): chr1:160,279,542, T>C on the plus strand (A>G on the coding strand, the complement: PEX19 is on the minus strand). VCF-style: chr1-160279542-T-C. GRCh37 (hg19) VCF-style: chr1-160249332-T-C.
Other names: c.*17A>G (NM_001193644.1).
Identifiers: ClinVar variation 4985413 (VCV004985413.1).
Genomic context (GRCh38, chr1:160,279,542, plus strand): 5'-GTCCCAATGGTTCTGCTGACTCCAGATGTTCCCCATAGCTGGGACTCAGAGAGGAAAACG[T>C]GTTGTGTTTCACATGATCAGACACTGTTCACCACTGGCACCTGGTGGGCCCGAAAGATTG-3'

ClinVar aggregate classification (germline): Uncertain significance (1 of 4 stars; one submission).

Conditions:
PEX19-related disorder. Also called: PEX19-related condition.

Submission:

PreventionGenetics, part of Exact Sciences
Classification: Uncertain significance for PEX19-related condition. Last evaluated: 2025-11-17. Review status: criteria provided, single submitter. Criteria: ACMG Guidelines, 2015. Collection method: clinical testing. Allele origin: germline.
Comment: The PEX19 c.*9A>G variant is located in the 3' untranslated region. To our knowledge, this variant has not been reported in the literature. This variant is reported in 0.011% of alleles in individuals of African descent in gnomAD. At this time, the clinical significance of this variant is uncertain due to the absence of conclusive functional and genetic evidence.